The following is an entry in ClinVar:

ClinVar aggregate classification (germline): Pathogenic (1 of 4 stars; one submission).

Conditions:
Hereditary cancer-predisposing syndrome. Also called: Neoplastic Syndromes, Hereditary; Tumor predisposition; Hereditary neoplastic syndrome; Hereditary Cancer Syndrome. Identifiers: Orphanet 140162, MedGen C0027672, MeSH D009386, MONDO:0015356.

Submission:

Ambry Genetics
Classification: Pathogenic for Hereditary cancer-predisposing syndrome. Last evaluated: 2024-01-31. Review status: criteria provided, single submitter. Criteria: Ambry Variant Classification Scheme 2023. Collection method: clinical testing. Allele origin: germline.
Comment: The c.910delT pathogenic mutation, located in coding exon 3 of the BLM gene, results from a deletion of one nucleotide at nucleotide position 910, causing a translational frameshift with a predicted alternate stop codon (p.S304Lfs*19). This variant is considered to be rare based on population cohorts in the Genome Aggregation Database (gnomAD). This alteration is expected to result in loss of function by premature protein truncation or nonsense-mediated mRNA decay. As such, this alteration is interpreted as a disease-causing mutation.

NM_000057.4(BLM):c.910del (p.Ser304fs)

Gene: BLM (BLM RecQ like helicase; plus strand). Cytogenetic location: 15q26.1.
Variant type: Deletion.
Coding change: c.910del on transcript NM_000057.4 (MANE Select); coding-DNA position 910, one base deleted (T; older notation c.910delT).
Protein change: p.Ser304fs; shifts the reading frame from serine 304.
Molecular consequence: frameshift variant. On other transcripts: 5 prime UTR variant (1).
Genome position (GRCh38, 1-based): chr15:90,751,897, T deleted; the last of 2 consecutive T bases (chr15:90,751,896-90,751,897); deleting either gives the same sequence. VCF-style (leftmost placement, unchanged base first): chr15-90751895-CT-C. GRCh37 (hg19) VCF-style: chr15-91295125-CT-C.
Other names: c.910del, p.Ser304fs (NM_001287246.2, NM_001287247.2); c.-382del (NM_001287248.2); short protein forms S304fs.
Identifiers: ClinVar variation 3224946 (VCV003224946.1), dbSNP rs2505400284, ClinGen allele CA2630379265.